The following is an entry in ClinVar:

ClinVar aggregate classification (germline): Pathogenic/Likely pathogenic. Review status: criteria provided, multiple submitters, no conflicts (2 of 4 stars). 8 submissions from 8 submitters: Pathogenic (4); Likely pathogenic (2). 2 of the submissions do not count toward it. Last evaluated 2025-09-25.

Conditions:
Neurofibroma. Identifiers: Orphanet 252183, MedGen C0027830, MeSH D009455, MONDO:0016755, HP:0001067.
Abnormality of vision. Identifiers: MedGen C4025846, HP:0000504.
Cafe au lait spots, multiple. Also called: Neurofibromatosis type 6. Identifiers: Orphanet 2678, MedGen C1861975, MONDO:0007245, OMIM 114030, HP:0007565. Disease mechanism: loss of function.
NF1-related disorder. Also called: NF1-related condition. Identifiers: MedGen CN379171.
Cardiovascular phenotype. Identifiers: MedGen CN230736.
Hereditary cancer-predisposing syndrome. Also called: Hereditary neoplastic syndrome; Tumor predisposition; Neoplastic Syndromes, Hereditary; Hereditary Cancer Syndrome. Identifiers: Orphanet 140162, MedGen C0027672, MeSH D009386, MONDO:0015356.
Neurofibromatosis, type 1 (NF1). Also called: Peripheral type neurofibromatosis; NEUROFIBROMATOSIS, TYPE I, SOMATIC; Neurofibromatosis, type I; VON RECKLINGHAUSEN DISEASE. Identifiers: Orphanet 636, MedGen C0027831, MONDO:0018975, OMIM 162200. Disease mechanism: loss of function.

Allele frequency attached by ClinVar (database versions not stated): gnomAD exomes below 0.00001.

Submissions (8):

NHS Central & South Genomic Laboratory Hub
Classification: Pathogenic for Neurofibromatosis type 1. Last evaluated: 2025-09-25. Review status: criteria provided, single submitter. Criteria: ACMG Guidelines, 2015. Collection method: clinical testing. Allele origin: germline. Affected: yes.

Labcorp Genetics (formerly Invitae), Labcorp
Classification: Pathogenic for Neurofibromatosis, type 1. Last evaluated: 2025-01-06. Review status: criteria provided, single submitter. Criteria: Invitae Variant Classification Sherloc (09022015). Collection method: clinical testing. Allele origin: germline.
Comment: This sequence change replaces arginine, which is basic and polar, with threonine, which is neutral and polar, at codon 1391 of the NF1 protein (p.Arg1391Thr). This variant is not present in population databases (gnomAD no frequency). This missense change has been observed in individual(s) with NF1- Noonan syndrome and neurofibormatosis type 1 (NF1) (PMID: 24789688, 27322474; internal data). In at least one individual the variant was observed to be de novo. ClinVar contains an entry for this variant (Variation ID: 523345). Invitae Evidence Modeling of protein sequence and biophysical properties (such as structural, functional, and spatial information, amino acid conservation, physicochemical variation, residue mobility, and thermodynamic stability) indicates that this missense variant is expected to disrupt NF1 protein function with a positive predictive value of 95%. This variant disrupts the p.Arg1391 amino acid residue in NF1. Other variant(s) that disrupt this residue have been determined to be pathogenic (PMID: 7581973, 9003501, 16513807, 22807134, 27322474). This suggests that this residue is clinically significant, and that variants that disrupt this residue are likely to be disease-causing. For these reasons, this variant has been classified as Pathogenic.

Ambry Genetics
Classification: Pathogenic for Cardiovascular phenotype; Hereditary cancer-predisposing syndrome. Last evaluated: 2024-09-03. Review status: criteria provided, single submitter. Criteria: Ambry Variant Classification Scheme 2023. Collection method: clinical testing. Allele origin: germline.
Comment: The p.R1391T pathogenic mutation (also known as c.4172G>C), located in coding exon 31 of the NF1 gene, results from a G to C substitution at nucleotide position 4172. The arginine at codon 1391 is replaced by threonine, an amino acid with similar properties. This variant was reported in multiple individuals who met clinical criteria for Neurofibromatosis type1 or were suspected of having Neurofibromatosis type 1 (van Minkelen R et al. Clin Genet, 2014 Apr;85:318-27; Xu W et al. Int J Mol Med, 2014 Jul;34:53-60; Evans DG et al. EBioMedicine, 2016 May;7:212-20). This amino acid position is highly conserved in available vertebrate species. In addition, this alteration is predicted to be deleterious by in silico analysis. Another variant at the same codon, p.R1391S (c.4173A>T), has been detected in individuals with Neurofibromatosis type 1 (Upadhyaya M et al. Hum. Genet., 1997 Jan;99:88-92; Evans DG et al. EBioMedicine, 2016 May;7:212-20). This variant is considered to be rare based on population cohorts in the Genome Aggregation Database (gnomAD). Based on the supporting evidence, this variant is interpreted as a disease-causing mutation.

Mayo Clinic Laboratories, Mayo Clinic
Classification: Likely pathogenic. Last evaluated: 2024-03-19. Review status: criteria provided, single submitter. Criteria: ACMG Guidelines, 2015. Collection method: clinical testing. Allele origin: germline. Observed: 2 variant alleles.
Comment: PP3, PP4, PM2_moderate, PS4_moderate

Blueprint Genetics
Classification: Pathogenic for NF1-related disorders. Last evaluated: 2019-06-10. Review status: criteria provided, single submitter. Criteria: ACMG Guidelines, 2015. Collection method: clinical testing. Allele origin: germline. Affected: yes. Observed: 1 variant allele.

Centre for Mendelian Genomics, University Medical Centre Ljubljana
Classification: Likely pathogenic for Abnormality of vision; Cafe au lait spots, multiple; Neurofibroma. Last evaluated: 2017-01-01. Review status: criteria provided, single submitter. Criteria: ACMG Guidelines, 2015. Collection method: clinical testing. Allele origin: unknown. Affected: yes.

Genome Diagnostics Laboratory, The Hospital for Sick Children
Classification: Uncertain significance for Neurofibromatosis, type 1. Last evaluated: 2020-10-26. Review status: flagged submission. Criteria: ACMG Guidelines, 2015. Collection method: clinical testing. Allele origin: germline. Affected: yes. Not counted in ClinVar's aggregate classification.
ClinVar note: Reason: Outlier claim with insufficient supporting evidence

Center for Human Genetics, Inc
Classification: Uncertain significance for Neurofibromatosis, type 1. Last evaluated: 2016-11-01. Review status: flagged submission. Criteria: ACMG Guidelines, 2015. Collection method: clinical testing. Allele origin: germline. Affected: yes. Not counted in ClinVar's aggregate classification.
ClinVar note: Reason: Outlier claim with insufficient supporting evidence

Literature cited by the submitters: PubMed 24789688 (cited by 3 submitters); PubMed 27322474 (cited by 3 submitters); PubMed 7581973 (cited by Labcorp Genetics (formerly Invitae), Labcorp); PubMed 9003501 (cited by Labcorp Genetics (formerly Invitae), Labcorp); PubMed 16513807 (cited by Labcorp Genetics (formerly Invitae), Labcorp); PubMed 22807134 (cited by Labcorp Genetics (formerly Invitae), Labcorp); PubMed 23656349 (cited by Ambry Genetics); PubMed 30308447 (cited by Mayo Clinic Laboratories, Mayo Clinic); PubMed 31370276 (cited by Mayo Clinic Laboratories, Mayo Clinic); PubMed 37272364 (cited by Mayo Clinic Laboratories, Mayo Clinic).

NM_001042492.3(NF1):c.4235G>C (p.Arg1412Thr)

Gene: NF1 (neurofibromin 1; plus strand). Cytogenetic location: 17q11.2.
Variant type: single nucleotide variant.
Coding change: c.4235G>C on transcript NM_001042492.3 (MANE Select); coding-DNA position 4235, G replaced by C.
Protein change: p.Arg1412Thr; replaces arginine 1412 with threonine.
Molecular consequence: missense variant.
Genome position (GRCh38, 1-based): chr17:31,258,405, G>C. VCF-style: chr17-31258405-G-C. GRCh37 (hg19) VCF-style: chr17-29585423-G-C.
Other names: p.Arg1391Thr; c.4172G>C, p.Arg1391Thr (NM_000267.4); short protein forms R1391T, R1412T.
Identifiers: ClinVar variation 523345 (VCV000523345.22), dbSNP rs1555618516, ClinGen allele CA398997839.